The following is an entry in ClinVar:

ClinVar aggregate classification (germline): Uncertain significance. Review status: criteria provided, multiple submitters, no conflicts (2 of 4 stars). 2 submissions from 2 submitters: Uncertain significance (2). Last evaluated 2025-05-22.

Conditions:
PSEN1-related disorder. Also called: PSEN1-related condition.
Alzheimer disease 3 (AD3). Also called: ALZHEIMER DISEASE, FAMILIAL, 3. Identifiers: Orphanet 1020, MedGen C1843013, MONDO:0011913, OMIM 607822.
Pick disease. Also called: Pick's disease; LOBAR ATROPHY OF BRAIN; Pick Disease of the Brain; PICK DISEASE OF BRAIN; DEMENTIA WITH LOBAR ATROPHY AND NEURONAL CYTOPLASMIC INCLUSIONS. Identifiers: Orphanet 282, MedGen C0236642, MONDO:0008243, OMIM 172700.
Acne inversa, familial, 3 (ACNINV3). Identifiers: MedGen C3151038, MONDO:0013398, OMIM 613737.
Frontotemporal dementia (FTD1). Also called: WILHELMSEN-LYNCH DISEASE; FRONTOTEMPORAL LOBAR DEGENERATION WITH TAU INCLUSIONS; FTLD WITH TAU INCLUSIONS; Dementia, frontotemporal, with or without parkinsonism; Frontotemporal Dementia with Parkinsonism-17 (FTDP-17); MULTIPLE SYSTEM TAUOPATHY WITH PRESENILE DEMENTIA. Identifiers: Orphanet 282, MedGen C0338451, MONDO:0017276, OMIM 600274, HP:0002145.

Allele frequency attached by ClinVar (database versions not stated): gnomAD 0.00001; ExAC 0.00002; gnomAD exomes 0.00002; TOPMed 0.00002.
gnomAD v4.1: 12 of 1,613,824 alleles (0.00074%); highest among the groups gnomAD compares: African/African-American, 0.0027%; no homozygotes.

Submissions (2):

Labcorp Genetics (formerly Invitae), Labcorp
Classification: Uncertain significance for Alzheimer disease 3; Pick disease; Acne inversa, familial, 3; Frontotemporal dementia. Last evaluated: 2025-05-22. Review status: criteria provided, single submitter. Criteria: Invitae Variant Classification Sherloc (09022015). Collection method: clinical testing. Allele origin: germline.
Comment: This sequence change replaces arginine, which is basic and polar, with glutamine, which is neutral and polar, at codon 220 of the PSEN1 protein (p.Arg220Gln). This variant is present in population databases (rs763831389, gnomAD 0.004%). This missense change has been observed in individual(s) with clinical features of PSEN1-related conditions (internal data). ClinVar contains an entry for this variant (Variation ID: 648949). Invitae Evidence Modeling of protein sequence and biophysical properties (such as structural, functional, and spatial information, amino acid conservation, physicochemical variation, residue mobility, and thermodynamic stability) indicates that this missense variant is not expected to disrupt PSEN1 protein function with a negative predictive value of 95%. In summary, the available evidence is currently insufficient to determine the role of this variant in disease. Therefore, it has been classified as a Variant of Uncertain Significance.

PreventionGenetics, part of Exact Sciences
Classification: Uncertain significance for PSEN1-related condition. Last evaluated: 2022-08-30. Review status: criteria provided, single submitter. Criteria: ACMG Guidelines, 2015. Collection method: clinical testing. Allele origin: germline.
Comment: The PSEN1 c.659G>A variant is predicted to result in the amino acid substitution p.Arg220Gln. To our knowledge, this variant has not been reported in the literature, although an alternate substitution impacting the same amino acid (p.Arg220Pro, described as R220P) was reported in a case of familial late-onset Alzheimer's disease (Piccoli et al. 2016. PubMed ID: 26925509).The c.659G>A (p.Arg220Gln) variant is reported in 0.0046% of alleles in individuals of European (Finnish) descent in gnomAD. At this time, the clinical significance of this variant is uncertain due to the absence of conclusive functional and genetic evidence.

NM_000021.4(PSEN1):c.659G>A (p.Arg220Gln)

Gene: PSEN1 (presenilin 1; plus strand). Cytogenetic location: 14q24.2.
Variant type: single nucleotide variant.
Coding change: c.659G>A on transcript NM_000021.4 (MANE Select); coding-DNA position 659, G replaced by A.
Protein change: p.Arg220Gln; replaces arginine 220 with glutamine.
Molecular consequence: missense variant.
Genome position (GRCh38, 1-based): chr14:73,192,754, G>A. VCF-style: chr14-73192754-G-A. GRCh37 (hg19) VCF-style: chr14-73659462-G-A.
Other names: c.647G>A, p.Arg216Gln (NM_007318.3); short protein forms R216Q, R220Q.
Identifiers: ClinVar variation 648949 (VCV000648949.12), dbSNP rs763831389, ClinGen allele CA7256798.
Genomic context (GRCh38, chr14:73,192,754, plus strand): 5'-TCCTGATCTGGAATTTTGGTGTGGTGGGAATGATTTCCATTCACTGGAAAGGTCCACTTC[G>A]ACTCCAGCAGGCATATCTCATTATGATTAGTGCCCTCATGGCCCTGGTGTTTATCAAGTA-3'
Protein context (NP_000012.1, residues 210-230): MISIHWKGPL[Arg220Gln]LQQAYLIMIS